The following is an entry in ClinVar:

NM_004655.4(AXIN2):c.1832delinsGG (p.Glu611fs)

Gene: AXIN2 (axin 2; minus strand). Cytogenetic location: 17q24.1.
Variant type: Indel.
Coding change: c.1832delinsGG on transcript NM_004655.4 (MANE Select); coding-DNA position 1832, A replaced by GG.
Protein change: p.Glu611fs; shifts the reading frame from glutamic acid 611.
Molecular consequence: frameshift variant. On other transcripts: intron variant (1).
Genome position (GRCh38, 1-based): chr17:65,536,944, T replaced by CC on the plus strand (A replaced by GG on the coding strand, the reverse complement: AXIN2 is on the minus strand). VCF-style: chr17-65536944-T-CC. GRCh37 (hg19) VCF-style: chr17-63533062-T-CC.
Other names: c.1712+380delinsGG (NM_001363813.1); short protein forms E611fs.
Identifiers: ClinVar variation 3680202 (VCV003680202.2).

ClinVar aggregate classification (germline): Uncertain significance (1 of 4 stars; one submission).

Conditions:
Oligodontia-cancer predisposition syndrome. Also called: TOOTH AGENESIS-COLORECTAL CANCER SYNDROME. Identifiers: Orphanet 300576, MedGen C1837750, MONDO:0012075, OMIM 608615. Disease mechanism: loss of function.

Submission:

Labcorp Genetics (formerly Invitae), Labcorp
Classification: Uncertain significance for Oligodontia-cancer predisposition syndrome. Last evaluated: 2024-02-23. Review status: criteria provided, single submitter. Criteria: Invitae Variant Classification Sherloc (09022015). Collection method: clinical testing. Allele origin: germline.
Comment: This sequence change creates a premature translational stop signal (p.Glu611Glyfs*17) in the AXIN2 gene. Loss-of-function variants in AXIN2 are known to be pathogenic (PMID: 21416598, 15042511). However, tissue-specific alternative splicing of AXIN2 gene results in functional isoform lacking in-frame exon 7 (also known as exon 6, PMID: 15735151). For this reason the clinical significance of loss of function variants in exon 7 is currently uncertain. This variant is present in population databases (rs781308733, gnomAD 0.0009%). This variant has not been reported in the literature in individuals affected with AXIN2-related conditions. Algorithms developed to predict the effect of sequence changes on RNA splicing suggest that this variant may disrupt the consensus splice site. In summary, the available evidence is currently insufficient to determine the role of this variant in disease. Therefore, it has been classified as a Variant of Uncertain Significance.

Literature cited by the submitters: PubMed 21416598; PubMed 15042511.